The following is an entry in ClinVar:

NM_000219.6(KCNE1):c.108C>T (p.Arg36=)

Gene: KCNE1 (potassium voltage-gated channel subfamily E regulatory subunit 1; minus strand). Cytogenetic location: 21q22.12.
Variant type: single nucleotide variant.
Coding change: c.108C>T on transcript NM_000219.6 (MANE Select); coding-DNA position 108, C replaced by T.
Protein change: p.Arg36=; no amino-acid change (arginine 36 retained).
Molecular consequence: synonymous variant.
Genome position (GRCh38, 1-based): chr21:34,449,527, G>A on the plus strand (C>T on the coding strand, the complement: KCNE1 is on the minus strand). VCF-style: chr21-34449527-G-A. GRCh37 (hg19) VCF-style: chr21-35821825-G-A.
Other names: c.108C>T, p.Arg36= (NM_001127668.4, NM_001127669.4, NM_001127670.4 and 4 more transcripts).
Identifiers: ClinVar variation 3374070 (VCV003374070.2).

Conditions:
Long QT syndrome 5 (LQT5). Identifiers: Orphanet 101016, Orphanet 768, MedGen C1867904, MONDO:0013372, OMIM 613695.

Submission:

Roden Lab, Vanderbilt University Medical Center
No classification provided (evidence only). Condition: Long QT syndrome 5. Review status: no classification provided. Collection method: in vitro. Allele origin: not applicable. Functional consequence: Effect on ion channel function.
ClinVar note: "not provided" was previously submitted as the classification for the variant. However, the classification appeared to be based only on an observation of functional data so it was converted to no classification on 2025-07-30.